The following is an entry in ClinVar:

NM_001379081.2(FREM1):c.5622G>C (p.Trp1874Cys)

Gene: FREM1 (FRAS1 related extracellular matrix 1; minus strand). Cytogenetic location: 9p22.3.
Variant type: single nucleotide variant.
Coding change: c.5622G>C on transcript NM_001379081.2 (MANE Select); coding-DNA position 5622, G replaced by C.
Protein change: p.Trp1874Cys; replaces tryptophan 1874 with cysteine.
Molecular consequence: missense variant. On other transcripts: non-coding transcript variant (3).
Genome position (GRCh38, 1-based): chr9:14,748,575, C>G on the plus strand (G>C on the coding strand, the complement: FREM1 is on the minus strand). VCF-style: chr9-14748575-C-G. GRCh37 (hg19) VCF-style: chr9-14748573-C-G.
Other names: c.1230G>C, p.Trp410Cys (NM_001177704.3, NM_001370061.2); c.1080G>C, p.Trp360Cys (NM_001370058.2); c.5622G>C, p.Trp1874Cys (NM_144966.7); short protein forms W1874C, W360C, W410C.
Identifiers: ClinVar variation 383364 (VCV000383364.16), dbSNP rs61745612, ClinGen allele CA4989694.

ClinVar aggregate classification (germline): Conflicting classifications of pathogenicity. Review status: criteria provided, conflicting classifications (1 of 4 stars). 5 submissions from 5 submitters: Uncertain significance (2); Likely benign (3). Last evaluated 2026-01-21.

Conditions:
FREM1-related disorder. Also called: FREM1-related condition; FREM1-Related Disorders.
Inborn genetic diseases. Identifiers: MedGen C0950123, MeSH D030342.

Allele frequency attached by ClinVar (database versions not stated): gnomAD exomes 0.00020; ExAC 0.00024; ESP Exome Variant Server 0.00064; gnomAD 0.00084 and 0.00087; TOPMed 0.00091; 1000 Genomes Project 0.00140; 1000 Genomes Project 30x 0.00156.
gnomAD v4.1: 257 of 1,613,844 alleles (0.016%); highest among the groups gnomAD compares: African/African-American, 0.3%; no homozygotes.

Submissions (5):

PreventionGenetics, part of Exact Sciences
Classification: Likely benign for FREM1-related condition. Last evaluated: 2026-01-21. Review status: criteria provided, single submitter. Criteria: ACMG Guidelines, 2015. Collection method: clinical testing. Allele origin: germline.
Comment: This variant is classified as likely benign based on ACMG/AMP sequence variant interpretation guidelines (Richards et al. 2015 PMID: 25741868, with internal and published modifications).

Labcorp Genetics (formerly Invitae), Labcorp
Classification: Likely benign. Last evaluated: 2025-12-29. Review status: criteria provided, single submitter. Criteria: Invitae Variant Classification Sherloc (09022015). Collection method: clinical testing. Allele origin: germline.

Ambry Genetics
Classification: Uncertain significance for Inborn genetic diseases. Last evaluated: 2025-06-03. Review status: criteria provided, single submitter. Criteria: Ambry Variant Classification Scheme 2023. Collection method: clinical testing. Allele origin: germline.

Eurofins Ntd Llc (ga)
Classification: Uncertain significance. Last evaluated: 2018-01-25. Review status: criteria provided, single submitter. Criteria: EGL Classification Definitions 2015. Collection method: clinical testing. Allele origin: germline. Observed: 1 variant allele, 1 heterozygote.

GeneDx
Classification: Likely benign. Last evaluated: 2016-03-24. Review status: criteria provided, single submitter. Criteria: GeneDx Variant Classification (06012015). Collection method: clinical testing. Allele origin: germline. Affected: yes.
Comment: This variant is considered likely benign or benign based on one or more of the following criteria: it is a conservative change, it occurs at a poorly conserved position in the protein, it is predicted to be benign by multiple in silico algorithms, and/or has population frequency not consistent with disease.